The following is an entry in ClinVar:

ClinVar aggregate classification (germline): Uncertain significance (1 of 4 stars; one submission).

Conditions:
Cardiovascular phenotype. Identifiers: MedGen CN230736.

Submission:

Molecular Diagnostic Laboratory for Inherited Cardiovascular Disease, Montreal Heart Institute
Classification: Uncertain significance for Cardiovascular phenotype. Last evaluated: 2026-09-21. Review status: criteria provided, single submitter. Criteria: ACMG Guidelines, 2015. Collection method: clinical testing. Allele origin: germline. Affected: yes.
Comment: PVS1_mod, PM2

NM_144573.4(NEXN):c.488A>G (p.Glu163Gly)

Gene: NEXN (nexilin F-actin binding protein; plus strand). Cytogenetic location: 1p31.1.
Variant type: single nucleotide variant.
Coding change: c.488A>G on transcript NM_144573.4 (MANE Select); coding-DNA position 488, A replaced by G.
Protein change: p.Glu163Gly; replaces glutamic acid 163 with glycine.
Molecular consequence: missense variant.
Genome position (GRCh38, 1-based): chr1:77,925,228, A>G. VCF-style: chr1-77925228-A-G. GRCh37 (hg19) VCF-style: chr1-78390913-A-G.
Other names: c.296A>G, p.Glu99Gly (NM_001172309.2); short protein forms E163G, E99G.
Identifiers: ClinVar variation 5037818 (VCV005037818.1), dbSNP rs1453728786.